The following is an entry in ClinVar:

ClinVar aggregate classification (germline): Uncertain significance (1 of 4 stars; one submission).

Conditions:
BTAF1-related disorder. Also called: BTAF1-related condition.

gnomAD v4.1: 1 of 1,612,768 alleles (0.000062%); highest among the groups gnomAD compares: Admixed American, 0.0017%; no homozygotes.

Submission:

PreventionGenetics, part of Exact Sciences
Classification: Uncertain significance for BTAF1-related condition. Last evaluated: 2025-01-06. Review status: criteria provided, single submitter. Criteria: ACMG Guidelines, 2015. Collection method: clinical testing. Allele origin: germline.
Comment: The BTAF1 c.2389A>C variant is predicted to result in the amino acid substitution p.Asn797His. To our knowledge, this variant has not been reported in the literature. This variant is reported in 0.0029% of alleles in individuals of Latino descent in gnomAD. At this time, the clinical significance of this variant is uncertain due to the absence of conclusive functional and genetic evidence.

NM_003972.3(BTAF1):c.2389A>C (p.Asn797His)

Gene: BTAF1 (B-TFIID TATA-box binding protein associated factor 1; plus strand). Cytogenetic location: 10q23.32.
Variant type: single nucleotide variant.
Coding change: c.2389A>C on transcript NM_003972.3 (MANE Select); coding-DNA position 2389, A replaced by C.
Protein change: p.Asn797His; replaces asparagine 797 with histidine.
Molecular consequence: missense variant. On other transcripts: non-coding transcript variant (14).
Genome position (GRCh38, 1-based): chr10:91,984,366, A>C. VCF-style: chr10-91984366-A-C. GRCh37 (hg19) VCF-style: chr10-93744123-A-C.
Other names: short protein forms N797H.
Identifiers: ClinVar variation 4996754 (VCV004996754.1).